The following is an entry in ClinVar:

ClinVar aggregate classification (germline): Uncertain significance (1 of 4 stars; one submission).

Submission:

Labcorp Genetics (formerly Invitae), Labcorp
Classification: Uncertain significance. Last evaluated: 2024-06-02. Review status: criteria provided, single submitter. Criteria: Invitae Variant Classification Sherloc (09022015). Collection method: clinical testing. Allele origin: germline.
Comment: This sequence change replaces alanine, which is neutral and non-polar, with valine, which is neutral and non-polar, at codon 434 of the MBD4 protein (p.Ala434Val). This variant is not present in population databases (gnomAD no frequency). This variant has not been reported in the literature in individuals affected with MBD4-related conditions. Algorithms developed to predict the effect of missense changes on protein structure and function output the following: SIFT: "Not Available"; PolyPhen-2: "Benign"; Align-GVGD: "Not Available". The valine amino acid residue is found in multiple mammalian species, which suggests that this missense change does not adversely affect protein function. In summary, the available evidence is currently insufficient to determine the role of this variant in disease. Therefore, it has been classified as a Variant of Uncertain Significance.

NM_001276270.2(MBD4):c.1283C>T (p.Ala428Val)

Gene: MBD4 (methyl-CpG binding domain 4, DNA glycosylase; minus strand). Cytogenetic location: 3q21.3.
Variant type: single nucleotide variant.
Coding change: c.1283C>T on transcript NM_001276270.2 (MANE Select); coding-DNA position 1283, C replaced by T.
Protein change: p.Ala428Val; replaces alanine 428 with valine.
Molecular consequence: missense variant.
Genome position (GRCh38, 1-based): chr3:129,433,960, G>A on the plus strand (C>T on the coding strand, the complement: MBD4 is on the minus strand). VCF-style: chr3-129433960-G-A. GRCh37 (hg19) VCF-style: chr3-129152803-G-A.
Other names: c.1301C>T, p.Ala434Val (NM_003925.3, NM_001276271.2, NM_001276272.2); c.347C>T, p.Ala116Val (NM_001276273.2); short protein forms A428V, A434V, A116V.
Identifiers: ClinVar variation 3655265 (VCV003655265.2).